The following is an entry in ClinVar:

ClinVar aggregate classification (germline): Uncertain significance (1 of 4 stars; one submission).

gnomAD v4.1: 1 of 1,189,931 alleles (0.000084%); highest among the groups gnomAD compares: Non-Finnish European, 0.00011%; no homozygotes.

Submission:

CeGaT Center for Human Genetics Tuebingen
Classification: Uncertain significance. Last evaluated: 2026-06-01. Review status: criteria provided, single submitter. Criteria: CeGaT Center For Human Genetics Tuebingen Variant Classification Criteria Version 2. Collection method: clinical testing. Allele origin: germline. Affected: yes. Observed: 1 variant allele.
Comment: SLC16A2: PM2

NM_006517.5(SLC16A2):c.1362G>T (p.Met454Ile)

Gene: SLC16A2 (solute carrier family 16 member 2; plus strand). Cytogenetic location: Xq13.2.
Variant type: single nucleotide variant.
Coding change: c.1362G>T on transcript NM_006517.5 (MANE Select); coding-DNA position 1362, G replaced by T.
Protein change: p.Met454Ile; replaces methionine 454 with isoleucine.
Molecular consequence: missense variant.
Genome position (GRCh38, 1-based): chrX:74,529,404, G>T. VCF-style: chrX-74529404-G-T. GRCh37 (hg19) VCF-style: chrX-73749239-G-T.
Other names: short protein forms M454I.
Identifiers: ClinVar variation 4872498 (VCV004872498.2).
Genomic context (GRCh38, chrX:74,529,404, plus strand): 5'-TGCATTTGAGCTGGTGGGCCCAATGCAGGCCTCACAGGCCATTGGCTACCTCCTGGGCAT[G>T]ATGGCCCTGCCAATGATTGCTGGGCCCCCCATTGCAGGTGAGGCTGATATTCCAGGGAGG-3'
Protein context (NP_006508.2, residues 444-464): ASQAIGYLLG[Met454Ile]MALPMIAGPP